The following is an entry in ClinVar:

NM_002485.5(NBN):c.994+3A>C

Gene: NBN (nibrin; minus strand). Cytogenetic location: 8q21.3.
Variant type: single nucleotide variant.
Coding change: c.994+3A>C on transcript NM_002485.5 (MANE Select); 3 bases into the intron after coding-DNA position 994, A replaced by C.
Molecular consequence: intron variant.
Genome position (GRCh38, 1-based): chr8:89,964,407, T>G on the plus strand (A>C on the coding strand, the complement: NBN is on the minus strand). VCF-style: chr8-89964407-T-G. GRCh37 (hg19) VCF-style: chr8-90976635-T-G.
Other names: c.748+3A>C (NM_001024688.3).
Identifiers: ClinVar variation 2504661 (VCV002504661.1), dbSNP rs2488283773, ClinGen allele CA2580617188.

ClinVar aggregate classification (germline): Uncertain significance (1 of 4 stars; one submission).

Submission:

GeneDx
Classification: Uncertain significance. Last evaluated: 2022-12-12. Review status: criteria provided, single submitter. Criteria: GeneDx Variant Classification Process June 2021. Collection method: clinical testing. Allele origin: germline. Affected: yes.
Comment: Not observed at significant frequency in large population cohorts (gnomAD); In silico analysis supports a deleterious effect on splicing; Has not been previously published as pathogenic or benign to our knowledge